The following is an entry in ClinVar:

NM_001844.5(COL2A1):c.389A>G (p.Glu130Gly)

Gene: COL2A1 (collagen type II alpha 1 chain; minus strand). Cytogenetic location: 12q13.11.
Variant type: single nucleotide variant.
Coding change: c.389A>G on transcript NM_001844.5 (MANE Select); coding-DNA position 389, A replaced by G.
Protein change: p.Glu130Gly; replaces glutamic acid 130 with glycine.
Molecular consequence: missense variant.
Genome position (GRCh38, 1-based): chr12:47,997,911, T>C on the plus strand (A>G on the coding strand, the complement: COL2A1 is on the minus strand). VCF-style: chr12-47997911-T-C. GRCh37 (hg19) VCF-style: chr12-48391694-T-C.
Other names: c.182A>G, p.Glu61Gly (NM_033150.3); short protein forms E130G, E61G.
Identifiers: ClinVar variation 2747883 (VCV002747883.5), dbSNP rs1940038748, ClinGen allele CA384525022.
Genomic context (GRCh38, chr12:47,997,911, plus strand): 5'-CAGCATTGCTTTTTACTCACTTTTTCACCTTTGTCACCACGATCCCCTCTGGGTCCTTGT[T>C]CCCCTGCAGGTCCCTGAAGGTGAAGAACATGGTAAGATGACAGCAAGGCCAGGAGCCTGC-3'
Protein context (NP_001835.3, residues 120-140): GPPGPQGPAG[Glu130Gly]QGPRGDRGDK

ClinVar aggregate classification (germline): Uncertain significance. Review status: criteria provided, multiple submitters, no conflicts (2 of 4 stars). 3 submissions from 3 submitters: Uncertain significance (3). Last evaluated 2025-07-17.

Conditions:
Spondyloperipheral dysplasia. Also called: SPONDYLOPERIPHERAL DYSPLASIA WITH SHORT ULNA; Spondyloperipheral dysplasia-short ulna syndrome. Identifiers: Orphanet 1856, MedGen C0796173, MONDO:0010078, OMIM 271700.

Allele frequency attached by ClinVar (database versions not stated): TOPMed 0.00001.

Submissions (3):

MVZ Martinsried, Medicover Genetics
Classification: Uncertain significance for Spondyloperipheral dysplasia. Last evaluated: 2025-07-17. Review status: criteria provided, single submitter. Criteria: ClinGen Variant Curation SOP V3.2 + Classification Guidance July2025. Collection method: clinical testing. Allele origin: inherited. Affected: yes. Observed: 1 heterozygote.

Labcorp Genetics (formerly Invitae), Labcorp
Classification: Uncertain significance. Last evaluated: 2023-07-28. Review status: criteria provided, single submitter. Criteria: Invitae Variant Classification Sherloc (09022015). Collection method: clinical testing. Allele origin: germline.
Comment: This variant has not been reported in the literature in individuals affected with COL2A1-related conditions. This sequence change replaces glutamic acid, which is acidic and polar, with glycine, which is neutral and non-polar, at codon 130 of the COL2A1 protein (p.Glu130Gly). This variant is not present in population databases (gnomAD no frequency). Advanced modeling of protein sequence and biophysical properties (such as structural, functional, and spatial information, amino acid conservation, physicochemical variation, residue mobility, and thermodynamic stability) performed at Invitae indicates that this missense variant is not expected to disrupt COL2A1 protein function. In summary, the available evidence is currently insufficient to determine the role of this variant in disease. Therefore, it has been classified as a Variant of Uncertain Significance.

Blueprint Genetics
Classification: Uncertain significance. Last evaluated: 2019-10-29. Review status: criteria provided, single submitter. Criteria: ACMG Guidelines, 2015. Collection method: clinical testing. Allele origin: germline.